The following is an entry in ClinVar:

NM_001323289.2(CDKL5):c.2070C>G (p.His690Gln)

Gene: CDKL5 (cyclin dependent kinase like 5; plus strand). Cytogenetic location: Xp22.13.
Variant type: single nucleotide variant.
Coding change: c.2070C>G on transcript NM_001323289.2 (MANE Select); coding-DNA position 2070, C replaced by G.
Protein change: p.His690Gln; replaces histidine 690 with glutamine.
Molecular consequence: missense variant.
Genome position (GRCh38, 1-based): chrX:18,609,488, C>G. VCF-style: chrX-18609488-C-G. GRCh37 (hg19) VCF-style: chrX-18627608-C-G.
Other names: c.2070C>G, p.His690Gln (NM_001037343.2, NM_003159.3); short protein forms H690Q.
Identifiers: ClinVar variation 1061053 (VCV001061053.9), dbSNP rs2147164673, ClinGen allele CA412366333.
Genomic context (GRCh38, chrX:18,609,488, plus strand): 5'-TGTGGCTTAACTTTTATAAATTTCTTTCCTGCCTCAGGGTGGAGTGTATCATGACCCACA[C>G]TCTGATGATGGCACAGCCCCCAAAGAAAATAGACACCTATACAATGATCCTGTGCCAAGG-3'
Protein context (NP_001310218.1, residues 680-700): KSEGGVYHDP[His690Gln]SDDGTAPKEN

ClinVar aggregate classification (germline): Uncertain significance (1 of 4 stars; one submission).

Conditions:
Angelman syndrome-like. Identifiers: MedGen CN128785.
Developmental and epileptic encephalopathy, 2 (DEE2). Also called: INFANTILE SPASM SYNDROME, X-LINKED 2; CDKL5 deficiency disorder. Identifiers: Orphanet 1934, Orphanet 3451, Orphanet 505652, MedGen C4750718, MONDO:0010396, OMIM 300672.

Submission:

Labcorp Genetics (formerly Invitae), Labcorp
Classification: Uncertain significance for Developmental and epileptic encephalopathy, 2; Angelman syndrome-like. Last evaluated: 2025-05-27. Review status: criteria provided, single submitter. Criteria: Invitae Variant Classification Sherloc (09022015). Collection method: clinical testing. Allele origin: germline.
Comment: This sequence change replaces histidine, which is basic and polar, with glutamine, which is neutral and polar, at codon 690 of the CDKL5 protein (p.His690Gln). This variant is not present in population databases (gnomAD no frequency). This variant has not been reported in the literature in individuals affected with CDKL5-related conditions. ClinVar contains an entry for this variant (Variation ID: 1061053). Invitae Evidence Modeling of protein sequence and biophysical properties (such as structural, functional, and spatial information, amino acid conservation, physicochemical variation, residue mobility, and thermodynamic stability) indicates that this missense variant is not expected to disrupt CDKL5 protein function with a negative predictive value of 95%. In summary, the available evidence is currently insufficient to determine the role of this variant in disease. Therefore, it has been classified as a Variant of Uncertain Significance.